The following is an entry in ClinVar:

ClinVar aggregate classification (germline): Uncertain significance. Review status: criteria provided, multiple submitters, no conflicts (2 of 4 stars). 4 submissions from 4 submitters: Uncertain significance (4). Last evaluated 2025-07-02.

Conditions:
Cardiovascular phenotype. Identifiers: MedGen CN230736.
Glucocorticoid deficiency 5. Identifiers: MedGen C4540522, MONDO:0040502, OMIM 617825.
Primary dilated cardiomyopathy (DCM). Also called: Dilated Cardiomyopathy. Identifiers: Orphanet 217604, MedGen C0007193, MeSH D002311, MONDO:0005021, HP:0001644. Inheritance: Various modes of inheritance.

Submissions (4):

Ambry Genetics
Classification: Uncertain significance for Cardiovascular phenotype. Last evaluated: 2025-07-02. Review status: criteria provided, single submitter. Criteria: Ambry Variant Classification Scheme 2023. Collection method: clinical testing. Allele origin: germline.
Comment: The c.1370dupC variant, located in coding exon 16 of the TXNRD2 gene, results from a duplication of C at nucleotide position 1370, causing a translational frameshift with a predicted alternate stop codon (p.Q458Tfs). The exact length of the frameshifted region is unclear, as the first few potential stop codons encountered in the shifted frame are TGAs, which could instead encode for selenocysteines in the context of this selenocysteine-containing protein (Gonzalez-Flores JN et al. Biomol Concepts, 2013 Aug;4:349-65). Regardless of the length of the frameshifted region, this alteration is expected to result in premature protein truncation or nonsense-mediated mRNA decay. However, loss of function of TXNRD2 has not been clearly established as a mechanism of disease. The evidence for this gene-disease relationship is limited; therefore, the clinical significance of this alteration is unclear.

Labcorp Genetics (formerly Invitae), Labcorp
Classification: Uncertain significance for Primary dilated cardiomyopathy. Last evaluated: 2025-06-18. Review status: criteria provided, single submitter. Criteria: Invitae Variant Classification Sherloc (09022015). Collection method: clinical testing. Allele origin: germline.
Comment: This sequence change creates a premature translational stop signal (p.Gln458Thrfs*45) in the TXNRD2 gene. While this is not anticipated to result in nonsense mediated decay, it is expected to disrupt the last 67 amino acid(s) of the TXNRD2 protein. This variant is present in population databases (rs758790391, gnomAD 0.02%). This variant has not been reported in the literature in individuals affected with TXNRD2-related conditions. ClinVar contains an entry for this variant (Variation ID: 1034740). In summary, the available evidence is currently insufficient to determine the role of this variant in disease. Therefore, it has been classified as a Variant of Uncertain Significance.

GeneDx
Classification: Uncertain significance. Last evaluated: 2024-02-09. Review status: criteria provided, single submitter. Criteria: GeneDx Variant Classification Process June 2021. Collection method: clinical testing. Allele origin: germline. Affected: yes.
Comment: Has not been previously published as pathogenic or benign to our knowledge; Not observed at significant frequency in large population cohorts (gnomAD); Frameshift variant predicted to result in protein truncation or nonsense mediated decay in a gene for which loss-of-function is not a known mechanism of disease

Fulgent Genetics
Classification: Uncertain significance for Glucocorticoid deficiency 5. Last evaluated: 2021-10-28. Review status: criteria provided, single submitter. Criteria: ACMG Guidelines, 2015. Collection method: clinical testing. Allele origin: unknown.

NM_006440.5(TXNRD2):c.1370dup (p.Gln458fs)

Gene: TXNRD2 (thioredoxin reductase 2; minus strand). Cytogenetic location: 22q11.21.
Variant type: Duplication.
Coding change: c.1370dup on transcript NM_006440.5 (MANE Select); coding-DNA position 1370, one base duplicated (C; older notation c.1370dupC).
Protein change: p.Gln458fs; shifts the reading frame from glutamine 458.
Molecular consequence: frameshift variant. On other transcripts: non-coding transcript variant (1).
Genome position (GRCh38, 1-based): chr22:19,878,165, G duplicated on the plus strand (C on the coding strand, the reverse complement: TXNRD2 is on the minus strand); the first of 5 consecutive G bases (chr22:19,878,165-19,878,169); duplicating any one gives the same sequence. VCF-style (leftmost placement, unchanged base first): chr22-19878164-T-TG. GRCh37 (hg19) VCF-style: chr22-19865687-T-TG.
Other names: c.1367dup, p.Gln457fs (NM_001352300.2); c.1280dup, p.Gln428fs (NM_001352301.2); c.1082dup, p.Gln362fs (NM_001352302.2); c.1370dup (NM_006440.3); c.1370dupC (NM_006440.3); short protein forms Q362fs, Q457fs, Q458fs, Q428fs.
Identifiers: ClinVar variation 1034740 (VCV001034740.12), dbSNP rs758790391, ClinGen allele CA10103676.
Genomic context (GRCh38, chr22:19,878,164, plus strand): 5'-AAATCCTTGAGTAACTTCGCCTGCGTTGGGGCCAAGGAAATGCAGGCCCAGCACCAGCTG[T>TG]GGGGGCTCCCTCAGGCACACCATCTGAAAGCCGCACATCTCAGCCACCAGCCCAGGAGGG-3'